The following is an entry in ClinVar:

ClinVar aggregate classification (germline): Uncertain significance. Review status: criteria provided, multiple submitters, no conflicts (2 of 4 stars). 5 submissions from 5 submitters: Uncertain significance (5). Last evaluated 2025-12-11.

Conditions:
COASY-related disorder. Also called: COASY-related condition.
Neurodegeneration with brain iron accumulation 6 (NBIA6). Also called: COASY protein-associated neurodegeneration. Identifiers: Orphanet 397725, MedGen C4517377, MONDO:0014290, OMIM 615643.

Allele frequency attached by ClinVar (database versions not stated): TOPMed 0.00039; gnomAD exomes 0.00078; ESP Exome Variant Server 0.00031; gnomAD 0.00037 and 0.00038.
gnomAD v4.1: 1,187 of 1,613,102 alleles (0.074%); highest among the groups gnomAD compares: Non-Finnish European, 0.096%; 1 homozygote.

Submissions (5):

PreventionGenetics, part of Exact Sciences
Classification: Uncertain significance for COASY-related condition. Last evaluated: 2025-12-11. Review status: criteria provided, single submitter. Criteria: ACMG Guidelines, 2015. Collection method: clinical testing. Allele origin: germline.
Comment: The COASY c.206C>T variant is predicted to result in the amino acid substitution p.Thr69Met. To our knowledge, this variant has not been reported in the literature. This variant is reported in 0.071% of alleles in individuals of European (Non-Finnish) descent in gnomAD. Although we suspect that this variant may be benign, at this time, the clinical significance of this variant is uncertain due to the absence of conclusive functional and genetic evidence.

GeneDx
Classification: Uncertain significance. Last evaluated: 2025-08-13. Review status: criteria provided, single submitter. Criteria: GeneDx Variant Classification Process June 2021. Collection method: clinical testing. Allele origin: germline. Affected: yes.
Comment: In silico analysis suggests that this missense variant does not alter protein structure/function; Has not been previously published as pathogenic or benign to our knowledge

Ambry Genetics
Classification: Uncertain significance. Last evaluated: 2025-04-03. Review status: criteria provided, single submitter. Criteria: Ambry Variant Classification Scheme 2023. Collection method: clinical testing. Allele origin: germline.

Blueprint Genetics
Classification: Uncertain significance. Last evaluated: 2024-11-26. Review status: criteria provided, single submitter. Criteria: ACMG Guidelines, 2015. Collection method: clinical testing. Allele origin: germline.

Labcorp Genetics (formerly Invitae), Labcorp
Classification: Uncertain significance for Neurodegeneration with brain iron accumulation 6. Last evaluated: 2022-10-17. Review status: criteria provided, single submitter. Criteria: Invitae Variant Classification Sherloc (09022015). Collection method: clinical testing. Allele origin: germline.
Comment: This sequence change replaces threonine, which is neutral and polar, with methionine, which is neutral and non-polar, at codon 69 of the COASY protein (p.Thr69Met). This variant is present in population databases (rs115390312, gnomAD 0.07%). This variant has not been reported in the literature in individuals affected with COASY-related conditions. ClinVar contains an entry for this variant (Variation ID: 426190). Advanced modeling of protein sequence and biophysical properties (such as structural, functional, and spatial information, amino acid conservation, physicochemical variation, residue mobility, and thermodynamic stability) performed at Invitae indicates that this missense variant is not expected to disrupt COASY protein function. In summary, the available evidence is currently insufficient to determine the role of this variant in disease. Therefore, it has been classified as a Variant of Uncertain Significance.

NM_025233.7(COASY):c.206C>T (p.Thr69Met)

Gene: COASY (Coenzyme A synthase; plus strand). Cytogenetic location: 17q21.2.
Variant type: single nucleotide variant.
Coding change: c.206C>T on transcript NM_025233.7 (MANE Select); coding-DNA position 206, C replaced by T.
Protein change: p.Thr69Met; replaces threonine 69 with methionine.
Molecular consequence: missense variant.
Genome position (GRCh38, 1-based): chr17:42,562,828, C>T. VCF-style: chr17-42562828-C-T. GRCh37 (hg19) VCF-style: chr17-40714846-C-T.
Other names: c.293C>T (NM_001042532.2); c.206C>T, p.Thr69Met (NM_001042529.3); c.293C>T, p.Thr98Met (NM_001042532.4); short protein forms T69M, T98M.
Identifiers: ClinVar variation 426190 (VCV000426190.12), dbSNP rs115390312, ClinGen allele CA8577937.
Genomic context (GRCh38, chr17:42,562,828, plus strand): 5'-GCCCGGCTCAGCCCCAGTCCAGCCCCGTGCAGGCCACGTTTGAGGTTCTTGATTTCATCA[C>T]GCACCTCTATGCTGGCGCCGACGTCCACAGGCACTTGGACGTCAGAATCCTACTGACCAA-3'
Protein context (NP_079509.5, residues 59-79): QATFEVLDFI[Thr69Met]HLYAGADVHR